The following continues an entry in ClinVar:

NM_000492.3(CFTR):c.1521_1523del (p.Phe508del)

ClinVar aggregate classification (germline): Pathogenic. Pathogenic (1).

Submissions 87 to 104 of 104:

Lifecell International Pvt. Ltd
Classification: Pathogenic for Congenital bilateral aplasia of vas deferens from CFTR mutation. Review status: criteria provided, single submitter. Criteria: ACMG Guidelines, 2015. Collection method: clinical testing. Allele origin: germline. Inheritance: Autosomal recessive inheritance. Affected: yes. Observed: 1 compound heterozygote. Not counted in ClinVar's aggregate classification.
Comment: A Heterozygous inframe indel variant c.1520_1522delTCT in Exon 11 of the CFTR gene that results in the amino acid substitution p.Phe508del was identified. The observed variant has a minor allele frequency of 0.00707/0.00800% in gnomAD exomes and genomes, respectively. The severity of the impact of this variant on the protein is medium, based on the effect of the protein and REVEL score . Rare Exome Variant Ensemble Learner (REVEL) is an ensembl method for predicting the pathogenicity of missense variants based on a combination of scores from 13 individual tools: MutPred, FATHMM v2.3, VEST 3.0, PolyPhen-2, SIFT, PROVEAN, MutationAssessor, MutationTaster, LRT, GERP++, SiPhy, phyloP, and phastCons. The REVEL score for an individual missense variant can range from 0 to 1, with higher scores reflecting greater likelihood that the variant is disease-causing. ClinVar has also classified this variant as Pathogenic. (Variant ID 7105). This variant has been previously reported for Indian patients with congenital absence of the vas deferens by Sharma H et al., 2014. Based on the above evidence this variant has been classified as Pathogenic according to the ACMG guidelines.

Suma Genomics
Classification: Pathogenic for Congenital bilateral aplasia of vas deferens from CFTR mutation; Cystic fibrosis. Review status: criteria provided, single submitter. Criteria: ACMG Guidelines, 2015. Collection method: clinical testing. Allele origin: inherited. Inheritance: Autosomal recessive inheritance. Affected: yes. Not counted in ClinVar's aggregate classification.

Suma Genomics
Classification: Pathogenic for Cystic fibrosis. Review status: criteria provided, single submitter. Criteria: ACMG Guidelines, 2015. Collection method: clinical testing. Allele origin: germline. Inheritance: Autosomal recessive inheritance. Affected: yes. Observed: 1 homozygote. Not counted in ClinVar's aggregate classification.

UNC Molecular Genetics  Laboratory, University of North Carolina at Chapel Hill
Classification: Pathogenic for Cystic fibrosis. Review status: criteria provided, single submitter. Criteria: ACMG Guidelines, 2015. Collection method: research. Allele origin: germline. Affected: no. Observed: 2 variant alleles. Study: NSIGHT-NC NEXUS. Not counted in ClinVar's aggregate classification.
Comment: The CFTR c.1521_1523delCTT (p.F508del) variant is the most common pathogenic CFTR variant (PMID: 20301428, 2233932).

carrier finding

Zotz-Klimas Genetics Lab, MVZ Zotz Klimas
Classification: Pathogenic for Cystic fibrosis. Last evaluated: 2023-11-02. Review status: no assertion criteria provided. Collection method: clinical testing. Allele origin: germline. Affected: yes. Not counted in ClinVar's aggregate classification.

Genome Diagnostics Laboratory, The Hospital for Sick Children
Classification: Pathogenic for CFTR-related disorders. Last evaluated: 2019-10-11. Review status: no assertion criteria provided. Collection method: clinical testing. Allele origin: germline. Not counted in ClinVar's aggregate classification.

Natera, Inc.
Classification: Pathogenic for CFTR-related disorders. Last evaluated: 2017-03-17. Review status: no assertion criteria provided. Collection method: clinical testing. Allele origin: germline. Not counted in ClinVar's aggregate classification.

Division of Human Genetics, Children's Hospital of Philadelphia
Classification: Pathogenic for Cystic fibrosis. Last evaluated: 2016-06-10. Review status: no assertion criteria provided. Collection method: research. Allele origin: maternal. Study: CSER-PediSeq. Not counted in ClinVar's aggregate classification.

OMIM
Classification: Pathogenic for CYSTIC FIBROSIS. Last evaluated: 2015-05-17. Review status: no assertion criteria provided. Collection method: literature only. Allele origin: germline. Not counted in ClinVar's aggregate classification.

OMIM
Classification: risk factor for BRONCHIECTASIS WITH OR WITHOUT ELEVATED SWEAT CHLORIDE 1, MODIFIER OF. Last evaluated: 2015-05-17. Review status: no assertion criteria provided. Collection method: literature only. Allele origin: germline. Not counted in ClinVar's aggregate classification.

Department of Pathology and Laboratory Medicine, Sinai Health System
Classification: Pathogenic. Review status: no assertion criteria provided. Collection method: clinical testing. Allele origin: unknown. Affected: yes. Study: The Canadian Open Genetics Repository (COGR). Not counted in ClinVar's aggregate classification.
Comment: The CFTR p.F508del variant is the most common variant known to cause cystic fibrosis (CF); this variant acounts for ~70% of CFTR variants and is present in approximately 85% of CF patients worldwide (Maiuri_2015_PMID:26046070). The variant was identified in dbSNP (ID: rs113993960) and ClinVar (classified as pathogenic by the American College of Medical Genetics and Genomics, Laboratory for Molecular Medicine and 20+ other laboratories). The variant was identified in control databases in 2027 of 282630 chromosomes (1 homozygous) at a frequency of 0.007172 (Genome Aggregation Database March 6, 2019, v2.1.1). The variant was observed in the following populations: European (non-Finnish) in 1598 of 129034 chromosomes (freq: 0.01238), Other in 49 of 7214 chromosomes (freq: 0.006792), Ashkenazi Jewish in 58 of 10368 chromosomes (freq: 0.005594), Latino in 135 of 35426 chromosomes (freq: 0.003811), African in 65 of 24958 chromosomes (freq: 0.002604), European (Finnish) in 61 of 25074 chromosomes (freq: 0.002433) and South Asian in 61 of 30608 chromosomes (freq: 0.001993), but was not observed in the East Asian population. This variant is an in-frame deletion resulting in the removal of a phenylalanine (F) residue at codon 508; the deletion of p.F508 results in a misfolded mutant protein that is prematurely degraded before it reaches the plasma membrane (Maiuri_2015_PMID:26046070). In summary, based on the above information this variant meets our laboratoryâ€šÃ„Ã´s criteria to be classified as pathogenic.

Diagnostic Laboratory, Department of Genetics, University Medical Center Groningen
Classification: Pathogenic. Review status: no assertion criteria provided. Collection method: clinical testing. Allele origin: germline. Affected: yes. Study: VKGL Data-share Consensus. Not counted in ClinVar's aggregate classification.

GeneReviews
No classification provided. Condition: Hereditary pancreatitis. Review status: no classification provided. Collection method: literature only. Allele origin: germline. Affected: yes. Not counted in ClinVar's aggregate classification.

GeneReviews
No classification provided. Condition: Cystic fibrosis. Review status: no classification provided. Collection method: literature only. Allele origin: unknown. Not counted in ClinVar's aggregate classification.

Genome Diagnostics Laboratory, Amsterdam University Medical Center
Classification: Pathogenic. Review status: no assertion criteria provided. Collection method: clinical testing. Allele origin: germline. Affected: yes. Study: VKGL Data-share Consensus. Not counted in ClinVar's aggregate classification.

Genome Diagnostics Laboratory, University Medical Center Utrecht
Classification: Pathogenic. Review status: no assertion criteria provided. Collection method: clinical testing. Allele origin: germline. Affected: yes. Study: VKGL Data-share Consensus. Not counted in ClinVar's aggregate classification.

Genomics And Bioinformatics Analysis Resource, Columbia University
Classification: Pathogenic for Cystic fibrosis. Review status: no assertion criteria provided. Collection method: research. Allele origin: unknown. Affected: yes. Not counted in ClinVar's aggregate classification.

SNPedia
No classification provided. Review status: no classification provided. Collection method: not provided. Allele origin: germline. Not counted in ClinVar's aggregate classification.

Literature cited by the submitters: PMC 3110945 (cited by American College of Medical Genetics and Genomics  (ACMG)); PubMed 24973281 (cited by ClinPGx); PubMed 25981758 (cited by ClinPGx and OMIM); PubMed 27298017 (cited by ClinPGx); PubMed 27334259 (cited by ClinPGx); PubMed 27805836 (cited by ClinPGx); PubMed 27898234 (cited by ClinPGx); PubMed 28325531 (cited by ClinPGx); PubMed 28606620 (cited by ClinPGx); PubMed 29126871 (cited by ClinPGx); PubMed 29327948 (cited by ClinPGx); PubMed 29451946 (cited by ClinPGx); PubMed 28930490 (cited by ClinPGx); PubMed 29099333 (cited by ClinPGx); PubMed 29099344 (cited by ClinPGx); PubMed 7691813 (cited by Ambry Genetics); PubMed 11733566 (cited by Ambry Genetics); PubMed 15371902 (cited by 6 submitters); PubMed 20301428 (cited by 3 submitters); PubMed 20580320 (cited by Ambry Genetics); PubMed 23974870 (cited by 8 submitters); PubMed 24375076 (cited by Ambry Genetics); PubMed 26095523 (cited by Ambry Genetics); PubMed 26976279 (cited by Ambry Genetics); PubMed 28129809 (cited by Ambry Genetics and Quest Diagnostics Nichols Institute San Juan Capistrano); PubMed 31788424 (cited by Ambry Genetics); PubMed 2475911 (cited by 7 submitters); PubMed 26857764 (cited by 3billion); PubMed 1284548 (cited by New York Genome Center); PubMed 7686820 (cited by New York Genome Center); PubMed 1370875 (cited by Rady Children's Institute for Genomic Medicine, Rady Children's Hospital San Diego and OMIM); PubMed 1377276 (cited by Rady Children's Institute for Genomic Medicine, Rady Children's Hospital San Diego and OMIM); PubMed 1384321 (cited by Rady Children's Institute for Genomic Medicine, Rady Children's Hospital San Diego and OMIM); PubMed 1673094 (cited by Rady Children's Institute for Genomic Medicine, Rady Children's Hospital San Diego and OMIM); PubMed 1997384 (cited by 3 submitters); PubMed 16554808 (cited by Rady Children's Institute for Genomic Medicine, Rady Children's Hospital San Diego); PubMed 17873061 (cited by Rady Children's Institute for Genomic Medicine, Rady Children's Hospital San Diego).